The following is an entry in ClinVar:

ClinVar aggregate classification (germline): Likely pathogenic. Review status: criteria provided, multiple submitters, no conflicts (2 of 4 stars). 2 submissions from 2 submitters: Likely pathogenic (2). Last evaluated 2025-02-07.

Conditions:
Becker muscular dystrophy (BMD). Also called: MUSCULAR DYSTROPHY, PSEUDOHYPERTROPHIC PROGRESSIVE, BECKER TYPE; Becker Muscular Dystrophy (BMD). Identifiers: Orphanet 98895, MedGen C0917713, MONDO:0010311, OMIM 300376.
Neuromuscular disease caused by qualitative or quantitative defects of dystrophin. Also called: Qualitative or quantitative defects of dystrophin. Identifiers: Orphanet 207085, MedGen C5679787, MONDO:0016147.

Submissions (2):

Women's Health and Genetics/Laboratory Corporation of America, LabCorp
Classification: Likely pathogenic for Neuromuscular disease caused by qualitative or quantitative defects of dystrophin. Last evaluated: 2025-02-07. Review status: criteria provided, single submitter. Criteria: LabCorp Variant Classification Summary - May 2015. Collection method: clinical testing. Allele origin: germline.
Comment: Variant summary: DMD c.9163+2510G>A is located at a position not widely known to affect splicing. Several computational tools predict a significant impact on normal splicing: Three predict the variant creates a cryptic 5' donor site. Four predict the variant creates a cryptic 3' acceptor site. At least one publication reports experimental evidence that this variant affects mRNA splicing and creates an acceptor site resulting in the inclusion of a cryptic 3 terminal exon (Waldrop_2022). The variant was absent in 21779 control chromosomes (gnomAD). c.9163+2510G>A has been reported in the literature in one individual affected with Becker muscular dystrophy (Waldrop_2022). The following publication have been ascertained in the context of this evaluation (PMID: 35165973). ClinVar contains an entry for this variant (Variation ID: 3600320). Based on the evidence outlined above, the variant was classified as likely pathogenic.

Institute of Medical Genetics and Applied Genomics, University Hospital Tübingen
Classification: Likely pathogenic for Becker muscular dystrophy. Last evaluated: 2025-01-27. Review status: criteria provided, single submitter. Criteria: ACMG Guidelines, 2015. Collection method: clinical testing. Allele origin: germline. Inheritance: X-linked recessive inheritance. Affected: yes.

Literature cited by the submitters: PubMed 35165973 (cited by Women's Health and Genetics/Laboratory Corporation of America, LabCorp).

NM_004006.3(DMD):c.9163+2510G>A

Gene: DMD (dystrophin; minus strand). Cytogenetic location: Xp21.2.
Variant type: single nucleotide variant.
Coding change: c.9163+2510G>A on transcript NM_004006.3 (MANE Select); 2510 bases into the intron after coding-DNA position 9163, G replaced by A.
Molecular consequence: intron variant.
Genome position (GRCh38, 1-based): chrX:31,346,046, C>T on the plus strand (G>A on the coding strand, the complement: DMD is on the minus strand). VCF-style: chrX-31346046-C-T. GRCh37 (hg19) VCF-style: chrX-31364163-C-T.
Other names: c.9139+2510G>A (NM_000109.4); c.5140+2510G>A (NM_004011.4); c.5131+2510G>A (NM_004012.4); c.1783+2510G>A (NM_004023.3, NM_004020.4, NM_004022.3 and 2 more transcripts); c.976+2510G>A (NM_004014.3); c.9151+2510G>A (NM_004009.3); c.8794+2510G>A (NM_004010.3).
Identifiers: ClinVar variation 3600320 (VCV003600320.3).